The following is an entry in ClinVar:

ClinVar aggregate classification (germline): Uncertain significance (1 of 4 stars; one submission).

gnomAD v4.1: 1 of 1,614,062 alleles (0.000062%); highest among the groups gnomAD compares: Non-Finnish European, 0.000085%; no homozygotes.

Submission:

Labcorp Genetics (formerly Invitae), Labcorp
Classification: Uncertain significance. Last evaluated: 2024-04-06. Review status: criteria provided, single submitter. Criteria: Invitae Variant Classification Sherloc (09022015). Collection method: clinical testing. Allele origin: germline.
Comment: This sequence change replaces lysine, which is basic and polar, with asparagine, which is neutral and polar, at codon 409 of the FH protein (p.Lys409Asn). This variant is not present in population databases (gnomAD no frequency). This variant has not been reported in the literature in individuals affected with FH-related conditions. ClinVar contains an entry for this variant (Variation ID: 841857). Advanced modeling of protein sequence and biophysical properties (such as structural, functional, and spatial information, amino acid conservation, physicochemical variation, residue mobility, and thermodynamic stability) performed at Invitae indicates that this missense variant is expected to disrupt FH protein function with a positive predictive value of 95%. In summary, the available evidence is currently insufficient to determine the role of this variant in disease. Therefore, it has been classified as a Variant of Uncertain Significance.

NM_000143.4(FH):c.1227G>C (p.Lys409Asn)

Gene: FH (fumarate hydratase; minus strand). Cytogenetic location: 1q43.
Variant type: single nucleotide variant.
Coding change: c.1227G>C on transcript NM_000143.4 (MANE Select); coding-DNA position 1227, G replaced by C.
Protein change: p.Lys409Asn; replaces lysine 409 with asparagine.
Molecular consequence: missense variant.
Genome position (GRCh38, 1-based): chr1:241,502,452, C>G on the plus strand (G>C on the coding strand, the complement: FH is on the minus strand). VCF-style: chr1-241502452-C-G. GRCh37 (hg19) VCF-style: chr1-241665752-C-G.
Other names: short protein forms K409N.
Identifiers: ClinVar variation 841857 (VCV000841857.10), dbSNP rs774493741, ClinGen allele CA345437248.